The following is an entry in ClinVar:

NM_015937.6(PIGT):c.1595C>T (p.Thr532Met)

Gene: PIGT (phosphatidylinositol glycan anchor biosynthesis class T; plus strand). Cytogenetic location: 20q13.12.
Variant type: single nucleotide variant.
Coding change: c.1595C>T on transcript NM_015937.6 (MANE Select); coding-DNA position 1595, C replaced by T.
Protein change: p.Thr532Met; replaces threonine 532 with methionine.
Molecular consequence: missense variant. On other transcripts: non-coding transcript variant (5).
Genome position (GRCh38, 1-based): chr20:45,425,684, C>T. VCF-style: chr20-45425684-C-T. GRCh37 (hg19) VCF-style: chr20-44054324-C-T.
Other names: c.1427C>T, p.Thr476Met (NM_001184728.3); c.1394C>T, p.Thr465Met (NM_001184729.3); c.1289C>T, p.Thr430Met (NM_001184730.3); short protein forms T430M, T465M, T476M, T532M.
Identifiers: ClinVar variation 1212360 (VCV001212360.7), dbSNP rs1466637488, ClinGen allele CA409171433.
Genomic context (GRCh38, chr20:45,425,684, plus strand): 5'-CGCTGCTGGTGAACCTGCCGACACCGGACTTCAGCATGCCCTACAACGTGATCTGCCTCA[C>T]GTGCACTGTGGTGGCCGTGTGCTATGGCTCCTTCTACAATCTCCTCACCCGAACCTTCCA-3'
Protein context (NP_057021.2, residues 522-542): FSMPYNVICL[Thr532Met]CTVVAVCYGS

ClinVar aggregate classification (germline): Conflicting classifications of pathogenicity. Review status: criteria provided, conflicting classifications (1 of 4 stars). 2 submissions from 2 submitters: Likely pathogenic (1); Uncertain significance (1). Last evaluated 2026-01-31.

Allele frequency attached by ClinVar (database versions not stated): gnomAD 0.00001; TOPMed 0.00001.
gnomAD v4.1: 8 of 1,614,040 alleles (0.0005%); highest among the groups gnomAD compares: South Asian, 0.0011%; no homozygotes.

Submissions (2):

GeneDx
Classification: Likely pathogenic. Last evaluated: 2026-01-31. Review status: criteria provided, single submitter. Criteria: GeneDx Variant Classification Process June 2021. Collection method: clinical testing. Allele origin: germline. Affected: yes.
Comment: Not observed at significant frequency in large population cohorts (gnomAD); In silico analysis supports that this missense variant has a deleterious effect on protein structure/function; Has not been previously published as pathogenic or benign to our knowledge

Revvity Omics, Revvity
Classification: Uncertain significance. Last evaluated: 2023-03-09. Review status: criteria provided, single submitter. Criteria: ACMG Guidelines, 2015. Collection method: clinical testing. Allele origin: germline.